The following is an entry in ClinVar:

NM_015346.4(ZFYVE26):c.3104A>G (p.Asn1035Ser)

Gene: ZFYVE26 (zinc finger FYVE-type containing 26; minus strand). Cytogenetic location: 14q24.1.
Variant type: single nucleotide variant.
Coding change: c.3104A>G on transcript NM_015346.4 (MANE Select); coding-DNA position 3104, A replaced by G.
Protein change: p.Asn1035Ser; replaces asparagine 1035 with serine.
Molecular consequence: missense variant.
Genome position (GRCh38, 1-based): chr14:67,786,149, T>C on the plus strand (A>G on the coding strand, the complement: ZFYVE26 is on the minus strand). VCF-style: chr14-67786149-T-C. GRCh37 (hg19) VCF-style: chr14-68252866-T-C.
Other names: short protein forms N1035S.
Identifiers: ClinVar variation 1525670 (VCV001525670.6), dbSNP rs1367522203, ClinGen allele CA390172986.

ClinVar aggregate classification (germline): Uncertain significance (1 of 4 stars; one submission).

Conditions:
Spastic paraplegia. Identifiers: MedGen C0037772, HP:0001258.

Allele frequency attached by ClinVar (database versions not stated): gnomAD exomes below 0.00001 and 0.00001.
gnomAD v4.1: 2 of 1,613,676 alleles (0.00012%); highest among the groups gnomAD compares: Admixed American, 0.0033%; no homozygotes.

Submission:

Labcorp Genetics (formerly Invitae), Labcorp
Classification: Uncertain significance for Spastic paraplegia. Last evaluated: 2022-07-25. Review status: criteria provided, single submitter. Criteria: Invitae Variant Classification Sherloc (09022015). Collection method: clinical testing. Allele origin: germline.
Comment: This sequence change replaces asparagine, which is neutral and polar, with serine, which is neutral and polar, at codon 1035 of the ZFYVE26 protein (p.Asn1035Ser). This variant is present in population databases (no rsID available, gnomAD 0.006%). This variant has not been reported in the literature in individuals affected with ZFYVE26-related conditions. ClinVar contains an entry for this variant (Variation ID: 1525670). Algorithms developed to predict the effect of missense changes on protein structure and function output the following: SIFT: "Tolerated"; PolyPhen-2: "Probably Damaging"; Align-GVGD: "Class C0". The serine amino acid residue is found in multiple mammalian species, which suggests that this missense change does not adversely affect protein function. In summary, the available evidence is currently insufficient to determine the role of this variant in disease. Therefore, it has been classified as a Variant of Uncertain Significance.